The following is an entry in ClinVar:

NM_001211.6(BUB1B):c.3131C>G (p.Pro1044Arg)

Genes: BUB1B (BUB1 mitotic checkpoint serine/threonine kinase B; plus strand), BUB1B-PAK6 (BUB1B-PAK6 readthrough; plus strand). Cytogenetic location: 15q15.1.
Variant type: single nucleotide variant.
Coding change: c.3131C>G on transcript NM_001211.6 (MANE Select); coding-DNA position 3131, C replaced by G.
Protein change: p.Pro1044Arg; replaces proline 1044 with arginine.
Molecular consequence: missense variant. On other transcripts: intron variant (2).
Genome position (GRCh38, 1-based): chr15:40,220,737, C>G. VCF-style: chr15-40220737-C-G. GRCh37 (hg19) VCF-style: chr15-40512938-C-G.
Other names: c.-201+3070C>G (NM_001128628.3); c.-118+3070C>G (NM_001128629.3); short protein forms P1044R.
Identifiers: ClinVar variation 3262245 (VCV003262245.1).

ClinVar aggregate classification (germline): Uncertain significance (1 of 4 stars; one submission).

Conditions:
Inborn genetic diseases. Identifiers: MedGen C0950123, MeSH D030342.

Submission:

Ambry Genetics
Classification: Uncertain significance for Inborn genetic diseases. Last evaluated: 2024-04-26. Review status: criteria provided, single submitter. Criteria: Ambry Variant Classification Scheme 2023. Collection method: clinical testing. Allele origin: germline.
Comment: The p.P1044R variant (also known as c.3131C>G), located in coding exon 23 of the BUB1B gene, results from a C to G substitution at nucleotide position 3131. The proline at codon 1044 is replaced by arginine, an amino acid with dissimilar properties. This amino acid position is conserved. In addition, this alteration is predicted to be tolerated by in silico analysis. Based on the available evidence, the clinical significance of this variant remains unclear.